The following is an entry in ClinVar:

NM_000271.5(NPC1):c.2616G>C (p.Met872Ile)

Gene: NPC1 (NPC intracellular cholesterol transporter 1; minus strand). Cytogenetic location: 18q11.2.
Variant type: single nucleotide variant.
Coding change: c.2616G>C on transcript NM_000271.5 (MANE Select); coding-DNA position 2616, G replaced by C.
Protein change: p.Met872Ile; replaces methionine 872 with isoleucine.
Molecular consequence: missense variant.
Genome position (GRCh38, 1-based): chr18:23,539,990, C>G on the plus strand (G>C on the coding strand, the complement: NPC1 is on the minus strand). VCF-style: chr18-23539990-C-G. GRCh37 (hg19) VCF-style: chr18-21119954-C-G.
Other names: short protein forms M872I.
Identifiers: ClinVar variation 4750629 (VCV004750629.1).
Genomic context (GRCh38, chr18:23,539,990, plus strand): 5'-GACAAAGTACACAGGCGGACCCGCATGCAGGTACTGACTGATGGATTTGAAATAATCCAC[C>G]ATGTAGGAGTCCTGAAAGAAAGATAAAAGAATAGGAGAGAGTGTGAACACTCTGATAGTA-3'
Protein context (NP_000262.2, residues 862-882): QSLSMPDDSY[Met872Ile]VDYFKSISQY

ClinVar aggregate classification (germline): Uncertain significance (1 of 4 stars; one submission).

Conditions:
Niemann-Pick disease, type C1. Also called: NIEMANN-PICK DISEASE, VARIANT TYPE C1; NEUROVISCERAL STORAGE DISEASE WITH VERTICAL SUPRANUCLEAR OPHTHALMOPLEGIA; NIEMANN-PICK DISEASE WITH CHOLESTEROL ESTERIFICATION BLOCK; NIEMANN-PICK DISEASE WITHOUT SPHINGOMYELINASE DEFICIENCY; NIEMANN-PICK DISEASE, CHRONIC NEURONOPATHIC FORM. Identifiers: Orphanet 646, MedGen C3179455, MONDO:0009757, OMIM 257220.

Submission:

Labcorp Genetics (formerly Invitae), Labcorp
Classification: Uncertain significance for Niemann-Pick disease, type C1. Last evaluated: 2025-11-23. Review status: criteria provided, single submitter. Criteria: Invitae Variant Classification Sherloc (09022015). Collection method: clinical testing. Allele origin: germline.
Comment: This sequence change replaces methionine, which is neutral and non-polar, with isoleucine, which is neutral and non-polar, at codon 872 of the NPC1 protein (p.Met872Ile). This variant is not present in population databases (gnomAD no frequency). This variant has not been reported in the literature in individuals affected with NPC1-related conditions. Invitae Evidence Modeling of protein sequence and biophysical properties (such as structural, functional, and spatial information, amino acid conservation, physicochemical variation, residue mobility, and thermodynamic stability) indicates that this missense variant is not expected to disrupt NPC1 protein function with a negative predictive value of 95%. In summary, the available evidence is currently insufficient to determine the role of this variant in disease. Therefore, it has been classified as a Variant of Uncertain Significance.